The following is an entry in ClinVar:

ClinVar aggregate classification (germline): Uncertain significance (1 of 4 stars; one submission).

Conditions:
PKD1L1-related disorder. Also called: PKD1L1-related condition.

gnomAD v4.1: 11 of 1,612,994 alleles (0.00068%); highest among the groups gnomAD compares: Non-Finnish European, 0.00093%; no homozygotes.

Submission:

PreventionGenetics, part of Exact Sciences
Classification: Uncertain significance for PKD1L1-related condition. Last evaluated: 2025-12-19. Review status: criteria provided, single submitter. Criteria: ACMG Guidelines, 2015. Collection method: clinical testing. Allele origin: germline.
Comment: The PKD1L1 c.2230A>G variant is predicted to result in the amino acid substitution p.Ser744Gly. To our knowledge, this variant has not been reported in the literature or in a large population database (gnomAD), indicating this variant is rare. At this time, the clinical significance of this variant is uncertain due to the absence of conclusive functional and genetic evidence.

NM_138295.5(PKD1L1):c.2230A>G (p.Ser744Gly)

Gene: PKD1L1 (polycystin 1 like 1, transient receptor potential channel interacting; minus strand). Cytogenetic location: 7p12.3.
Variant type: single nucleotide variant.
Coding change: c.2230A>G on transcript NM_138295.5 (MANE Select); coding-DNA position 2230, A replaced by G.
Protein change: p.Ser744Gly; replaces serine 744 with glycine.
Molecular consequence: missense variant.
Genome position (GRCh38, 1-based): chr7:47,898,029, T>C on the plus strand (A>G on the coding strand, the complement: PKD1L1 is on the minus strand). VCF-style: chr7-47898029-T-C. GRCh37 (hg19) VCF-style: chr7-47937626-T-C.
Other names: short protein forms S744G.
Identifiers: ClinVar variation 3357201 (VCV003357201.2).